The following is an entry in ClinVar:

ClinVar aggregate classification (germline): Benign (1 of 4 stars; one submission).

Conditions:
Ehlers-Danlos syndrome, classic type (cEDS). Identifiers: Orphanet 287, MedGen C4225429, MONDO:0007522.

Allele frequency attached by ClinVar (database versions not stated): gnomAD exomes 0.00012; 1000 Genomes Project 0.00060; 1000 Genomes Project 30x 0.00062; gnomAD 0.00079 and 0.00085; TOPMed 0.00092.
gnomAD v4.1: 186 of 696,618 alleles (0.027%); highest among the groups gnomAD compares: African/African-American, 0.26%; 1 homozygote.

Submission:

Illumina Laboratory Services, Illumina
Classification: Benign for Ehlers-Danlos syndrome, classic type, 1. Last evaluated: 2018-01-13. Review status: criteria provided, single submitter. Criteria: ICSL Variant Classification Criteria 13 December 2019. Collection method: clinical testing. Allele origin: germline.
Comment: This variant was observed in the ICSL laboratory as part of a predisposition screen in an ostensibly healthy population. It had not been previously curated by ICSL or reported in the Human Gene Mutation Database (HGMD: prior to June 1st, 2018), and was therefore a candidate for classification through an automated scoring system. Utilizing variant allele frequency, disease prevalence and penetrance estimates, and inheritance mode, an automated score was calculated to assess if this variant is too frequent to cause the disease. Based on the score and internal cut-off values, a variant classified as benign is not then subjected to further curation. The score for this variant resulted in a classification of benign for this disease.

NM_000093.5(COL5A1):c.*187C>T

Genes: COL5A1 (collagen type V alpha 1 chain; plus strand), LOC101448202 (uncharacterized LOC101448202; minus strand). Cytogenetic location: 9q34.3.
Variant type: single nucleotide variant.
Coding change: c.*187C>T on transcript NM_000093.5 (MANE Select); 187 bases downstream of the stop codon, C replaced by T.
Molecular consequence: 3 prime UTR variant.
Genome position (GRCh38, 1-based): chr9:134,842,490, C>T. VCF-style: chr9-134842490-C-T. GRCh37 (hg19) VCF-style: chr9-137734336-C-T.
Other names: c.*187C>T (NM_001278074.1).
Identifiers: ClinVar variation 914643 (VCV000914643.5), dbSNP rs565085023, ClinGen allele CA201120169.